The following is an entry in ClinVar:

ClinVar aggregate classification (germline): Benign/Likely benign. Review status: criteria provided, multiple submitters, no conflicts (2 of 4 stars). 2 submissions from 2 submitters: Benign (1); Likely benign (1). Last evaluated 2025-09-17.

Conditions:
Juvenile polyposis/hereditary hemorrhagic telangiectasia syndrome (JPHT). Also called: JP/HHT SYNDROME; JUVENILE POLYPOSIS WITH HEREDITARY HEMORRHAGIC TELANGIECTASIA; POLYPOSIS, GENERALIZED JUVENILE, WITH PULMONARY ARTERIOVENOUS MALFORMATION; TELANGIECTASIA, HEREDITARY HEMORRHAGIC, WITH JUVENILE POLYPOSIS COLI; Juvenile Polyposis Syndrome / Hereditary Hemorrhagic Telangiectasia (JPS/HHT). Identifiers: Orphanet 2929, MedGen C1832942, MONDO:0008278, OMIM 175050.
Familial thoracic aortic aneurysm and aortic dissection (TAAD). Also called: Thoracic aortic aneurysms and dissections. Identifiers: Orphanet 91387, MedGen C4707243, MONDO:0019625.
Hereditary cancer-predisposing syndrome. Also called: Neoplastic Syndromes, Hereditary; Tumor predisposition; Hereditary neoplastic syndrome; Hereditary Cancer Syndrome. Identifiers: Orphanet 140162, MedGen C0027672, MeSH D009386, MONDO:0015356.

gnomAD v4.1: 1 of 1,613,912 alleles (0.000062%); highest among the groups gnomAD compares: South Asian, 0.0011%; no homozygotes.

Submissions (2):

Ambry Genetics
Classification: Likely benign for Hereditary cancer-predisposing syndrome; Familial thoracic aortic aneurysm and aortic dissection. Last evaluated: 2025-09-17. Review status: criteria provided, single submitter. Criteria: Ambry Variant Classification Scheme 2023. Collection method: clinical testing. Allele origin: germline.

Myriad Genetics, Inc.
Classification: Benign for Juvenile polyposis/hereditary hemorrhagic telangiectasia syndrome. Last evaluated: 2025-03-21. Review status: criteria provided, single submitter. Criteria: Myriad Autosomal Dominant, Autosomal Recessive and X-Linked Classification Criteria (2023). Collection method: clinical testing. Allele origin: unknown.
Comment: This variant is considered benign. This variant is a silent/synonymous amino acid change and it is not expected to impact splicing.

NM_005359.6(SMAD4):c.1314T>C (p.Phe438=)

Gene: SMAD4 (SMAD family member 4; plus strand). Cytogenetic location: 18q21.2.
Variant type: single nucleotide variant.
Coding change: c.1314T>C on transcript NM_005359.6 (MANE Select); coding-DNA position 1314, T replaced by C.
Protein change: p.Phe438=; no amino-acid change (phenylalanine 438 retained).
Molecular consequence: synonymous variant. On other transcripts: non-coding transcript variant (1).
Genome position (GRCh38, 1-based): chr18:51,076,643, T>C. VCF-style: chr18-51076643-T-C. GRCh37 (hg19) VCF-style: chr18-48603013-T-C.
Other names: c.1314T>C, p.Phe438= (NM_001407041.1, NM_001407042.1).
Identifiers: ClinVar variation 3903514 (VCV003903514.2).